The following is an entry in ClinVar:

NM_015329.4(MAU2):c.1582C>T (p.Leu528Phe)

Gene: MAU2 (MAU2 sister chromatid cohesion factor; plus strand). Cytogenetic location: 19p13.11.
Variant type: single nucleotide variant.
Coding change: c.1582C>T on transcript NM_015329.4 (MANE Select); coding-DNA position 1582, C replaced by T.
Protein change: p.Leu528Phe; replaces leucine 528 with phenylalanine.
Molecular consequence: missense variant.
Genome position (GRCh38, 1-based): chr19:19,354,388, C>T. VCF-style: chr19-19354388-C-T. GRCh37 (hg19) VCF-style: chr19-19465197-C-T.
Other names: short protein forms L528F.
Identifiers: ClinVar variation 4291146 (VCV004291146.1).
Genomic context (GRCh38, chr19:19,354,388, plus strand): 5'-CTCCCCCTTGCTGCTCTTGGTTGACAGGAGAGTAACAACATGGTGGTGCCTGCCATGCAG[C>T]TCGCCAGCAAGATCCCGGACATGTCGGTACAGCTGTGGTCGTCAGCACTGCTGAGAGGTG-3'
Protein context (NP_056144.3, residues 518-538): SNNMVVPAMQ[Leu528Phe]ASKIPDMSVQ

ClinVar aggregate classification (germline): Likely pathogenic (1 of 4 stars; one submission).

Submission:

Institute for Human Genetics, University Hospital Essen
Classification: Likely pathogenic. Last evaluated: 2025-10-16. Review status: criteria provided, single submitter. Criteria: ACMG Guidelines, 2015. Collection method: research. Allele origin: de novo. Affected: yes. Observed: 1 variant allele.
Comment: PS2, PM2_sup, PP2, PP3